The following is an entry in ClinVar:

ClinVar aggregate classification (germline): Benign. Review status: criteria provided, multiple submitters, no conflicts (2 of 4 stars). 3 submissions from 3 submitters: Benign (2). 1 of the submissions does not count toward it. Last evaluated 2020-04-28.

Conditions:
GEMIN4-related disorder. Also called: GEMIN4-related condition.

Allele frequency attached by ClinVar (database versions not stated): 1000 Genomes Project 30x 0.15834; 1000 Genomes Project 0.15875; TOPMed 0.18381; gnomAD 0.18902 and 0.18909; ESP Exome Variant Server 0.20042; gnomAD exomes 0.20405 and 0.23967; ExAC 0.20812.
gnomAD v4.1: 378,821 of 1,613,572 alleles (23%); highest among the groups gnomAD compares: Non-Finnish European, 26%; 46,738 homozygotes.

Submissions (3):

GeneDx
Classification: Benign. Last evaluated: 2020-04-28. Review status: criteria provided, single submitter. Criteria: GeneDx Variant Classification Process June 2021. Collection method: clinical testing. Allele origin: germline. Affected: yes.
Comment: This variant is associated with the following publications: (PMID: 22639842)

Breakthrough Genomics
Classification: Benign. Review status: criteria provided, single submitter. Criteria: ACMG Guidelines, 2015. Collection method: not provided. Allele origin: germline. Inheritance: Autosomal recessive inheritance. Affected: yes.

PreventionGenetics, part of Exact Sciences
Classification: Benign for GEMIN4-related condition. Last evaluated: 2019-10-17. Review status: no assertion criteria provided. Collection method: clinical testing. Allele origin: germline. Not counted in ClinVar's aggregate classification.
Comment: This variant is classified as benign based on ACMG/AMP sequence variant interpretation guidelines (Richards et al. 2015 PMID: 25741868, with internal and published modifications).

NM_015721.3(GEMIN4):c.1778A>T (p.Glu593Val)

Gene: GEMIN4 (gem nuclear organelle associated protein 4; minus strand). Cytogenetic location: 17p13.3.
Variant type: single nucleotide variant.
Coding change: c.1778A>T on transcript NM_015721.3 (MANE Select); coding-DNA position 1778, A replaced by T.
Protein change: p.Glu593Val; replaces glutamic acid 593 with valine.
Molecular consequence: missense variant.
Genome position (GRCh38, 1-based): chr17:746,265, T>A on the plus strand (A>T on the coding strand, the complement: GEMIN4 is on the minus strand). VCF-style: chr17-746265-T-A. GRCh37 (hg19) VCF-style: chr17-649505-T-A.
Other names: short protein forms E593V.
Identifiers: ClinVar variation 1222413 (VCV001222413.6), dbSNP rs4968104, ClinGen allele CA8262550.
Genomic context (GRCh38, chr17:746,265, plus strand): 5'-ATCCAGACGGTTTCTTTGAGGCATGACACCATGAAAGTGGCAGATGAATTGGGACCCTGC[T>A]CTTCCACAAACCTAAGGGCAGGGAAGGCAGTGAGAATCTGGGCCAGGAACTTGTGGGTGC-3'
Protein context (NP_056536.2, residues 583-603): TAFPALRFVE[Glu593Val]QGPNSSATFM